The following is an entry in ClinVar:

NM_000138.5(FBN1):c.6340G>T (p.Gly2114Ter)

Gene: FBN1 (fibrillin 1; minus strand). Cytogenetic location: 15q21.1.
Variant type: single nucleotide variant.
Coding change: c.6340G>T on transcript NM_000138.5 (MANE Select); coding-DNA position 6340, G replaced by T.
Protein change: p.Gly2114Ter; replaces glycine 2114 with a stop codon.
Molecular consequence: nonsense.
Genome position (GRCh38, 1-based): chr15:48,437,361, C>A on the plus strand (G>T on the coding strand, the complement: FBN1 is on the minus strand). VCF-style: chr15-48437361-C-A. GRCh37 (hg19) VCF-style: chr15-48729558-C-A.
Other names: c.6340G>T, p.Gly2114Ter (NM_001406716.1); short protein forms G2114*.
Identifiers: ClinVar variation 2574104 (VCV002574104.1), dbSNP rs2505436934, ClinGen allele CA392336816.

ClinVar aggregate classification (germline): Likely pathogenic (0 of 4 stars; one submission).

Conditions:
Marfan syndrome (MFS). Also called: MARFAN SYNDROME, TYPE I; FBN1-Related Marfan Syndrome; Marfan syndrome type 1; Marfan's syndrome; Marfan syndrome, classic. Identifiers: Orphanet 284963, Orphanet 558, MedGen C0024796, MONDO:0007947, OMIM 154700.

Submission:

deCODE genetics, Amgen
Classification: Likely pathogenic for Marfan syndrome. Last evaluated: 2023-07-21. Review status: no assertion criteria provided. Collection method: research. Allele origin: germline. Affected: yes. Observed: 1 variant allele.
Comment: The variant NM_000138.5:c.6340G>T (chr15:48437361) in FBN1 was detected in 1 heterozygote out of 58K WGS Icelanders (MAF= 0,001%). This variant has not been reported in ClinVar previously. Based on ACMG criteria (PVS1, PM2) this variant classifies as likely pathogenic.